The following is an entry in ClinVar:

ClinVar aggregate classification (germline): Uncertain significance. Review status: criteria provided, single submitter (1 of 4 stars). 2 submissions from 2 submitters: Uncertain significance (1). 1 of the submissions does not count toward it.

Conditions:
Neurodevelopmental disorder with or without anomalies of the brain, eye, or heart (NEDBEH). Identifiers: Orphanet 494344, MedGen C5567477, MONDO:0014857, OMIM 616975.

Allele frequency attached by ClinVar (database versions not stated): gnomAD 0.00001 and 0.00002; TOPMed 0.00001; ExAC 0.00002; gnomAD exomes 0.00002.
gnomAD v4.1: 13 of 1,613,256 alleles (0.00081%); highest among the groups gnomAD compares: South Asian, 0.0044%; no homozygotes.

Submissions (3):

Neuberg Centre For Genomic Medicine, NCGM
Classification: Uncertain significance for Neurodevelopmental disorder with or without anomalies of the brain, eye, or heart. Review status: criteria provided, single submitter. Criteria: ACMG Guidelines, 2015. Collection method: clinical testing. Allele origin: germline. Inheritance: Autosomal dominant inheritance. Affected: yes.
Comment: The missense c.3466G>A(p.Gly1156Arg) variant in RERE gene has been previously reported as a de novo in a patient within a group of patients with RERErelated disorder (Fregeau B et al,2016). The variant has been submitted to ClinVar as a Pathogenic variant based on the same study. The p.Gly1156Arg variant is observed in 0.002% alleles from individuals in gnomAD Exomes and is novel (not in any individuals) in 1000 Genomes. The amino acid Gly at position 1156 is changed to a Arg changing protein sequence and it might alter its composition and physico-chemical properties. The variant is predicted to be damaging by both SIFT and PolyPhen2. The residue is conserved across species. The amino acid change p.Gly1156Arg in RERE is predicted as conserved by GERP++ and PhyloP across 100 vertebrates. Though the variant has been reported previously , it has been classified as Uncertain Significance due to it's presence in the gnomAD database.

OMIM
Classification: Pathogenic for NEURODEVELOPMENTAL DISORDER WITH ANOMALIES OF THE BRAIN, EYE, AND HEART. Last evaluated: 2018-01-08. Review status: no assertion criteria provided. Collection method: literature only. Allele origin: germline. Not counted in ClinVar's aggregate classification.

Dr. Peter K. Rogan Lab, Western University
No classification provided (evidence only). Condition: Gastric cancer. Review status: no classification provided. Collection method: in vitro. Allele origin: not applicable. Functional consequence: retained intron. Not counted in ClinVar's aggregate classification.

Literature cited by the submitters: PubMed 27087320 (cited by OMIM).

NM_001042681.2(RERE):c.3466G>A (p.Gly1156Arg)

Gene: RERE (arginine-glutamic acid dipeptide repeats; minus strand). Cytogenetic location: 1p36.23.
Variant type: single nucleotide variant.
Coding change: c.3466G>A on transcript NM_001042681.2 (MANE Select); coding-DNA position 3466, G replaced by A.
Protein change: p.Gly1156Arg; replaces glycine 1156 with arginine.
Molecular consequence: missense variant.
Genome position (GRCh38, 1-based): chr1:8,359,916, C>T on the plus strand (G>A on the coding strand, the complement: RERE is on the minus strand). VCF-style: chr1-8359916-C-T. GRCh37 (hg19) VCF-style: chr1-8419976-C-T.
Other names: NC_000001.10:g.8419976C>T; c.1804G>A, p.Gly602Arg (NM_001042682.2); c.3466G>A, p.Gly1156Arg (NM_012102.4); short protein forms G1156R, G602R.
Identifiers: ClinVar variation 236216 (VCV000236216.3), dbSNP rs766951273, ClinGen allele CA571136.